The following is an entry in ClinVar:

ClinVar aggregate classification (germline): Uncertain significance (1 of 4 stars; one submission).

gnomAD v4.1: 1 of 1,336,888 alleles (0.000075%); highest among the groups gnomAD compares: African/African-American, 0.0015%; no homozygotes.

Submission:

Labcorp Genetics (formerly Invitae), Labcorp
Classification: Uncertain significance. Last evaluated: 2024-03-07. Review status: criteria provided, single submitter. Criteria: Invitae Variant Classification Sherloc (09022015). Collection method: clinical testing. Allele origin: germline.
Comment: This sequence change replaces glycine, which is neutral and non-polar, with glutamic acid, which is acidic and polar, at codon 9 of the CLPTM1 protein (p.Gly9Glu). This variant is not present in population databases (gnomAD no frequency). This variant has not been reported in the literature in individuals affected with CLPTM1-related conditions. An algorithm developed to predict the effect of missense changes on protein structure and function (PolyPhen-2) suggests that this variant is likely to be disruptive. In summary, the available evidence is currently insufficient to determine the role of this variant in disease. Therefore, it has been classified as a Variant of Uncertain Significance.

NM_001294.4(CLPTM1):c.26G>A (p.Gly9Glu)

Genes: CLPTM1 (CLPTM1 regulator of GABA type A receptor forward trafficking; plus strand), LOC130064657 (ATAC-STARR-seq lymphoblastoid silent region 10745; plus strand). Cytogenetic location: 19q13.32.
Variant type: single nucleotide variant.
Coding change: c.26G>A on transcript NM_001294.4 (MANE Select); coding-DNA position 26, G replaced by A.
Protein change: p.Gly9Glu; replaces glycine 9 with glutamic acid.
Molecular consequence: missense variant. On other transcripts: intron variant (2).
Genome position (GRCh38, 1-based): chr19:44,955,421, G>A. VCF-style: chr19-44955421-G-A. GRCh37 (hg19) VCF-style: chr19-45458678-G-A.
Other names: c.-235+720G>A (NM_001282176.2); c.30+336G>A (NM_001282175.2); short protein forms G9E.
Identifiers: ClinVar variation 3644972 (VCV003644972.2).